The following is an entry in ClinVar:

NM_018662.3(DISC1):c.2251G>C (p.Glu751Gln)

Genes: DISC1 (DISC1 scaffold protein; plus strand), TSNAX-DISC1 (TSNAX-DISC1 readthrough (NMD candidate); plus strand). Cytogenetic location: 1q42.2.
Variant type: single nucleotide variant.
Coding change: c.2251G>C on transcript NM_018662.3 (MANE Select); coding-DNA position 2251, G replaced by C.
Protein change: p.Glu751Gln; replaces glutamic acid 751 with glutamine.
Molecular consequence: missense variant. On other transcripts: non-coding transcript variant (1), 3 prime UTR variant (2), intron variant (1).
Genome position (GRCh38, 1-based): chr1:232,008,993, G>C. VCF-style: chr1-232008993-G-C. GRCh37 (hg19) VCF-style: chr1-232144739-G-C.
Other names: c.2347G>C, p.Glu783Gln (NM_001164537.2); c.2251G>C, p.Glu751Gln (NM_001164538.2); c.1885G>C, p.Glu629Gln (NM_001164540.2); c.*102G>C (NM_001164541.2); c.*224G>C (NM_001164547.2); c.2241+10G>C (NM_001012957.2); short protein forms E783Q, E629Q, E751Q.
Identifiers: ClinVar variation 773422 (VCV000773422.7), dbSNP rs115112816, ClinGen allele CA1454219.

ClinVar aggregate classification (germline): Benign. Review status: criteria provided, multiple submitters, no conflicts (2 of 4 stars). 3 submissions from 3 submitters: Benign (2). 1 of the submissions does not count toward it. Last evaluated 2019-12-31.

Conditions:
DISC1-related disorder. Also called: DISC1-related condition.

Allele frequency attached by ClinVar (database versions not stated): 1000 Genomes Project 30x 0.00359; 1000 Genomes Project 0.00399; gnomAD 0.00976 and 0.01029; ExAC 0.00991; TOPMed 0.00994; gnomAD exomes 0.01026 and 0.01382; ESP Exome Variant Server 0.01128.
gnomAD v4.1: 21,609 of 1,613,892 alleles (1.3%); highest among the groups gnomAD compares: Non-Finnish European, 1.6%; 173 homozygotes.

Submissions (3):

Labcorp Genetics (formerly Invitae), Labcorp
Classification: Benign. Last evaluated: 2019-12-31. Review status: criteria provided, single submitter. Criteria: Invitae Variant Classification Sherloc (09022015). Collection method: clinical testing. Allele origin: germline.

Breakthrough Genomics
Classification: Benign. Review status: criteria provided, single submitter. Criteria: ACMG Guidelines, 2015. Collection method: not provided. Allele origin: germline. Inheritance: Unknown mechanism. Affected: yes.

PreventionGenetics, part of Exact Sciences
Classification: Benign for DISC1-related condition. Last evaluated: 2019-06-11. Review status: no assertion criteria provided. Collection method: clinical testing. Allele origin: germline. Not counted in ClinVar's aggregate classification.
Comment: This variant is classified as benign based on ACMG/AMP sequence variant interpretation guidelines (Richards et al. 2015 PMID: 25741868, with internal and published modifications).